The following is an entry in ClinVar:

ClinVar aggregate classification (germline): Benign/Likely benign. Review status: criteria provided, multiple submitters, no conflicts (2 of 4 stars). 7 submissions from 6 submitters: Benign (6); Likely benign (1). Last evaluated 2026-01-08.

Conditions:
Hypoalphalipoproteinemia, primary, 1. Identifiers: Orphanet 425, MedGen C5231558, MONDO:0011393, OMIM 604091.
Tangier disease (TGD). Also called: Cholesterol thesaurismosis; HIGH DENSITY LIPOPROTEIN DEFICIENCY, TANGIER TYPE; HIGH DENSITY LIPOPROTEIN DEFICIENCY, TYPE 1. Identifiers: Orphanet 31150, MedGen C0039292, MONDO:0008783, OMIM 205400.

Allele frequency attached by ClinVar (database versions not stated): gnomAD exomes 0.00064 and 0.00178; ExAC 0.00233; 1000 Genomes Project 30x 0.00687; 1000 Genomes Project 0.00699; gnomAD 0.00699 and 0.00749; TOPMed 0.00806; ESP Exome Variant Server 0.00900.
gnomAD v4.1: 2,055 of 1,614,160 alleles (0.13%); highest among the groups gnomAD compares: African/African-American, 2.4%; 28 homozygotes.

Submissions (7):

Labcorp Genetics (formerly Invitae), Labcorp
Classification: Benign. Last evaluated: 2026-01-08. Review status: criteria provided, single submitter. Criteria: Invitae Variant Classification Sherloc (09022015). Collection method: clinical testing. Allele origin: germline.

Fulgent Genetics
Classification: Likely benign for Tangier disease; Hypoalphalipoproteinemia, primary, 1. Last evaluated: 2022-05-17. Review status: criteria provided, single submitter. Criteria: ACMG Guidelines, 2015. Collection method: clinical testing. Allele origin: unknown.

Mayo Clinic Laboratories, Mayo Clinic
Classification: Benign. Last evaluated: 2022-02-24. Review status: criteria provided, single submitter. Criteria: ACMG Guidelines, 2015. Collection method: clinical testing. Allele origin: germline. Observed: 5 variant alleles.
Comment: BS1, BS2, BP4

GeneDx
Classification: Benign. Last evaluated: 2020-10-14. Review status: criteria provided, single submitter. Criteria: GeneDx Variant Classification Process June 2021. Collection method: clinical testing. Allele origin: germline. Affected: yes.

Illumina Laboratory Services, Illumina
Classification: Benign for Hypoalphalipoproteinemia, primary, 1. Last evaluated: 2018-01-12. Review status: criteria provided, single submitter. Criteria: ICSL Variant Classification Criteria 13 December 2019. Collection method: clinical testing. Allele origin: germline.
Comment: This variant was observed in the ICSL laboratory as part of a predisposition screen in an ostensibly healthy population. It had not been previously curated by ICSL or reported in the Human Gene Mutation Database (HGMD: prior to June 1st, 2018), and was therefore a candidate for classification through an automated scoring system. Utilizing variant allele frequency, disease prevalence and penetrance estimates, and inheritance mode, an automated score was calculated to assess if this variant is too frequent to cause the disease. Based on the score and internal cut-off values, a variant classified as benign is not then subjected to further curation. The score for this variant resulted in a classification of benign for this disease.

Illumina Laboratory Services, Illumina
Classification: Benign for Tangier disease. Last evaluated: 2018-01-12. Review status: criteria provided, single submitter. Criteria: ICSL Variant Classification Criteria 13 December 2019. Collection method: clinical testing. Allele origin: germline.
Comment: the same text as in the submission from Illumina Laboratory Services, Illumina above.

Women's Health and Genetics/Laboratory Corporation of America, LabCorp
Classification: Benign. Last evaluated: 2017-05-08. Review status: criteria provided, single submitter. Criteria: LabCorp Variant Classification Summary - May 2015. Collection method: clinical testing. Allele origin: germline.
Comment: Variant summary: The ABCA1 c.2961-10C>T variant involves the alteration of a non-conserved intronic nucleotide. One in silico tool predicts a damaging outcome for this variant. 5/5 splice prediction tools predict no significant impact on normal splicing. ESE finder predicts the variant introduces a novel SF2/ASF ESE site at the locus. However, these predictions have yet to be confirmed by functional studies. This variant was found in the large control database ExAC at a frequency of 0.0023254 (282/121272 control chromosomes [6 homozygotes]), which is approximately 186 times the estimated maximal expected allele frequency of a pathogenic ABCA1 variant (0.0000125), strongly suggesting this variant is likely a benign polymorphism. The variant of interest has not, to our knowledge, been reported in affected individuals via publications and/or reputable databases/clinical diagnostic laboratories, nor has it been evaluated for functional impact by in vivo/vitro studies. Taken together, this variant is classified as benign.

NM_005502.4(ABCA1):c.2961-10C>T

Gene: ABCA1 (ATP binding cassette subfamily A member 1; minus strand). Cytogenetic location: 9q31.1.
Variant type: single nucleotide variant.
Coding change: c.2961-10C>T on transcript NM_005502.4 (MANE Select); 10 bases into the intron before coding-DNA position 2961, C replaced by T.
Molecular consequence: intron variant.
Genome position (GRCh38, 1-based): chr9:104,820,079, G>A on the plus strand (C>T on the coding strand, the complement: ABCA1 is on the minus strand). VCF-style: chr9-104820079-G-A. GRCh37 (hg19) VCF-style: chr9-107582360-G-A.
Other names: p.?.
Identifiers: ClinVar variation 496293 (VCV000496293.15), dbSNP rs78329992, ClinGen allele CA5168581.
Genomic context (GRCh38, chr9:104,820,079, plus strand): 5'-GAGAGCCCTTTCAAGCGGGCATAGAACCAGATGTGTTCTTCGACAGTCAGCCTGGGGACA[G>A]GGAGGCAGGTCAGCTCTGGGCCCTACTGGATACCCCAGAATACAGTGTCCCCTGGCCCAG-3'